The following is an entry in ClinVar:

ClinVar aggregate classification (germline): Pathogenic. Review status: criteria provided, multiple submitters, no conflicts (2 of 4 stars). 3 submissions from 3 submitters: Pathogenic (3). Last evaluated 2025-10-08.

Conditions:
Duchenne muscular dystrophy (DMD). Also called: MUSCULAR DYSTROPHY, PSEUDOHYPERTROPHIC PROGRESSIVE, DUCHENNE TYPE; Duchenne Muscular Dystrophy (DMD). Identifiers: Orphanet 98896, MedGen C0013264, MONDO:0010679, OMIM 310200.

Submissions (3):

Labcorp Genetics (formerly Invitae), Labcorp
Classification: Pathogenic for Duchenne muscular dystrophy. Last evaluated: 2025-10-08. Review status: criteria provided, single submitter. Criteria: Invitae Variant Classification Sherloc (09022015). Collection method: clinical testing. Allele origin: germline.
Comment: This sequence change creates a premature translational stop signal (p.Ser191*) in the DMD gene. It is expected to result in an absent or disrupted protein product. Loss-of-function variants in DMD are known to be pathogenic (PMID: 16770791, 25007885). This variant is not present in population databases (gnomAD no frequency). This premature translational stop signal has been observed in individual(s) with clinical features of DMD-related conditions (PMID: 10094565, 33146414). This variant is also known as 780C>G, c.548C>G, or p.S183X. ClinVar contains an entry for this variant (Variation ID: 198504). For these reasons, this variant has been classified as Pathogenic.

Revvity Omics, Revvity
Classification: Pathogenic. Last evaluated: 2024-03-27. Review status: criteria provided, single submitter. Criteria: ACMG Guidelines, 2015. Collection method: clinical testing. Allele origin: germline.

Eurofins Ntd Llc (ga)
Classification: Pathogenic. Last evaluated: 2015-06-02. Review status: criteria provided, single submitter. Criteria: EGL Classification Definitions 2015. Collection method: clinical testing. Allele origin: germline. Observed: 1 variant allele, 1 hemizygote.

Literature cited by the submitters: PubMed 16770791 (cited by Labcorp Genetics (formerly Invitae), Labcorp); PubMed 25007885 (cited by Labcorp Genetics (formerly Invitae), Labcorp); PubMed 10094565 (cited by Labcorp Genetics (formerly Invitae), Labcorp); PubMed 33146414 (cited by Labcorp Genetics (formerly Invitae), Labcorp).

NM_004006.3(DMD):c.572C>G (p.Ser191Ter)

Gene: DMD (dystrophin; minus strand). Cytogenetic location: Xp21.1.
Variant type: single nucleotide variant.
Coding change: c.572C>G on transcript NM_004006.3 (MANE Select); coding-DNA position 572, C replaced by G.
Protein change: p.Ser191Ter; replaces serine 191 with a stop codon.
Molecular consequence: nonsense.
Genome position (GRCh38, 1-based): chrX:32,809,570, G>C on the plus strand (C>G on the coding strand, the complement: DMD is on the minus strand). VCF-style: chrX-32809570-G-C. GRCh37 (hg19) VCF-style: chrX-32827687-G-C.
Other names: c.548C>G, p.Ser183Ter (NM_000109.4); c.560C>G, p.Ser187Ter (NM_004009.3); c.203C>G, p.Ser68Ter (NM_004010.3); short protein forms S191*, S187*, S183*, S68*.
Identifiers: ClinVar variation 198504 (VCV000198504.9), dbSNP rs794727863, ClinGen allele CA346888.
Genomic context (GRCh38, chrX:32,809,570, plus strand): 5'-TTCTCTATGCCTAATTGATATCTGGCGATGTTGAATGCATGTTCCAGTCGTTGTGTGGCT[G>C]ACTGCTGGCAAACCACACTATTCCAGTCAAATAGGTCTGGCCTAAAACACATACACATAC-3'